The following is an entry in ClinVar:

NM_001112.4(ADARB1):c.1074A>G (p.Thr358=)

Gene: ADARB1 (adenosine deaminase RNA specific B1; plus strand). Cytogenetic location: 21q22.3.
Variant type: single nucleotide variant.
Coding change: c.1074A>G on transcript NM_001112.4 (MANE Select); coding-DNA position 1074, A replaced by G.
Protein change: p.Thr358=; no amino-acid change (threonine 358 retained).
Molecular consequence: synonymous variant. On other transcripts: non-coding transcript variant (5).
Genome position (GRCh38, 1-based): chr21:45,180,440, A>G. VCF-style: chr21-45180440-A-G. GRCh37 (hg19) VCF-style: chr21-46600355-A-G.
Other names: c.6A>G, p.Thr2= (NM_001145407.1); c.1074A>G, p.Thr358= (NM_001160230.2, NM_001346688.2, NM_015833.4 and 1 more transcripts); c.1221A>G, p.Thr407= (NM_001346687.2, NM_001410722.1).
Identifiers: ClinVar variation 2652787 (VCV002652787.25), dbSNP rs147573765, ClinGen allele CA10064234.
Genomic context (GRCh38, chr21:45,180,440, plus strand): 5'-GACCGACAACTTCTCCTCCCCTCACGCTCGCAGAAAAGTGCTGGCTGGAGTCGTCATGAC[A>G]ACAGGTAACCATCTTGGTGTTGTATGTAACCCTGCCTGTTTTCATGTCTGACAAATGTGA-3'
Protein context (NP_001103.1, residues 348-368): RRKVLAGVVM[Thr358=]TGTDVKDAKV

ClinVar aggregate classification (germline): Likely benign. Review status: criteria provided, multiple submitters, no conflicts (2 of 4 stars). 2 submissions from 2 submitters: Likely benign (2). Last evaluated 2025-08-01.

Allele frequency attached by ClinVar (database versions not stated): 1000 Genomes Project 30x 0.00094; 1000 Genomes Project 0.00100; ESP Exome Variant Server 0.00138; gnomAD exomes 0.00197; gnomAD 0.00201; TOPMed 0.00206; ExAC 0.00214.
gnomAD v4.1: 3,222 of 1,612,282 alleles (0.2%); highest among the groups gnomAD compares: Middle Eastern, 1.3%; 7 homozygotes.

Submissions (2):

CeGaT Center for Human Genetics Tuebingen
Classification: Likely benign. Last evaluated: 2025-08-01. Review status: criteria provided, single submitter. Criteria: CeGaT Center For Human Genetics Tuebingen Variant Classification Criteria Version 2. Collection method: clinical testing. Allele origin: germline. Affected: yes. Observed: 9 variant alleles.
Comment: ADARB1: BP4, BP7

Blueprint Genetics
Classification: Likely benign. Last evaluated: 2024-11-28. Review status: criteria provided, single submitter. Criteria: ACMG Guidelines, 2015. Collection method: clinical testing. Allele origin: germline.